The following is an entry in ClinVar:

NM_001368397.1(FRMPD4):c.249G>A (p.Arg83=)

Gene: FRMPD4 (FERM and PDZ domain containing 4; plus strand). Cytogenetic location: Xp22.2.
Variant type: single nucleotide variant.
Coding change: c.249G>A on transcript NM_001368397.1 (MANE Select); coding-DNA position 249, G replaced by A.
Protein change: p.Arg83=; no amino-acid change (arginine 83 retained).
Molecular consequence: synonymous variant.
Genome position (GRCh38, 1-based): chrX:12,609,811, G>A. VCF-style: chrX-12609811-G-A. GRCh37 (hg19) VCF-style: chrX-12627930-G-A.
Other names: c.360G>A, p.Arg120= (NM_001368395.3, NM_001368398.3); c.249G>A, p.Arg83= (NM_001368396.3, NM_014728.3); c.240G>A, p.Arg80= (NM_001368399.3); c.129G>A, p.Arg43= (NM_001368400.3); c.225G>A, p.Arg75= (NM_001368401.1, NM_001368402.3).
Identifiers: ClinVar variation 3046924 (VCV003046924.2), dbSNP rs761069076, ClinGen allele CA10349078.

ClinVar aggregate classification (germline): Likely benign (0 of 4 stars; one submission).

Conditions:
FRMPD4-related disorder. Also called: FRMPD4-related condition.

Allele frequency attached by ClinVar (database versions not stated): gnomAD exomes below 0.00001; ExAC 0.00001; gnomAD 0.00001.
gnomAD v4.1: 4 of 1,208,962 alleles (0.00033%); highest among the groups gnomAD compares: East Asian, 0.003%; no homozygotes.

Submission:

PreventionGenetics, part of Exact Sciences
Classification: Likely benign for FRMPD4-related condition. Last evaluated: 2019-02-20. Review status: no assertion criteria provided. Collection method: clinical testing. Allele origin: germline.
Comment: This variant is classified as likely benign based on ACMG/AMP sequence variant interpretation guidelines (Richards et al. 2015 PMID: 25741868, with internal and published modifications).